The following is an entry in ClinVar:

ClinVar aggregate classification (germline): Pathogenic/Likely pathogenic. Review status: criteria provided, multiple submitters, no conflicts (2 of 4 stars). 2 submissions from 2 submitters: Pathogenic (1); Likely pathogenic (1). Last evaluated 2022-08-20.

Conditions:
Metachromatic leukodystrophy (MLD). Also called: ARSA DEFICIENCY; CEREBROSIDE SULFATASE DEFICIENCY; METACHROMATIC LEUKOENCEPHALOPATHY; SULFATIDE LIPIDOSIS; Cerebral sclerosis diffuse metachromatic form; Arylsulfatase A Deficiency. Identifiers: Orphanet 512, MedGen C0023522, MONDO:0018868, OMIM 250100.

Allele frequency attached by ClinVar (database versions not stated): TOPMed below 0.00001.

Submissions (2):

Labcorp Genetics (formerly Invitae), Labcorp
Classification: Pathogenic for Metachromatic leukodystrophy. Last evaluated: 2022-08-20. Review status: criteria provided, single submitter. Criteria: Invitae Variant Classification Sherloc (09022015). Collection method: clinical testing. Allele origin: germline.
Comment: For these reasons, this variant has been classified as Pathogenic. This variant is also known as p.W193X. This premature translational stop signal has been observed in individual(s) with metachromatic leukodystrophy (PMID: 10477432). This variant is not present in population databases (gnomAD no frequency). This sequence change creates a premature translational stop signal (p.Trp195*) in the ARSA gene. It is expected to result in an absent or disrupted protein product. Loss-of-function variants in ARSA are known to be pathogenic (PMID: 8962139, 10477432).

Juno Genomics, Hangzhou Juno Genomics, Inc
Classification: Likely pathogenic for Metachromatic leukodystrophy. Review status: criteria provided, single submitter. Criteria: ACMG Guidelines, 2015. Collection method: clinical testing. Allele origin: germline.
Comment: Null variant in a gene where loss of function (LOF) is a known mechanism of disease.;Absent from controls (or at extremely low frequency if recessive) in Genome Aggregation Database.

Literature cited by the submitters: PubMed 10477432 (cited by Labcorp Genetics (formerly Invitae), Labcorp); PubMed 8962139 (cited by Labcorp Genetics (formerly Invitae), Labcorp).

NM_000487.6(ARSA):c.584G>A (p.Trp195Ter)

Gene: ARSA (arylsulfatase A; minus strand). Cytogenetic location: 22q13.33.
Variant type: single nucleotide variant.
Coding change: c.584G>A on transcript NM_000487.6 (MANE Select); coding-DNA position 584, G replaced by A.
Protein change: p.Trp195Ter; replaces tryptophan 195 with a stop codon.
Molecular consequence: nonsense.
Genome position (GRCh38, 1-based): chr22:50,626,934, C>T on the plus strand (G>A on the coding strand, the complement: ARSA is on the minus strand). VCF-style: chr22-50626934-C-T. GRCh37 (hg19) VCF-style: chr22-51065362-C-T.
Other names: c.584G>A, p.Trp195Ter (NM_001085425.3, NM_001085426.3, NM_001085427.3); c.326G>A, p.Trp109Ter (NM_001085428.3, NM_001362782.2); short protein forms W195*, W109*.
Identifiers: ClinVar variation 2025121 (VCV002025121.6), dbSNP rs1344892313, ClinGen allele CA412177438.